The following is an entry in ClinVar:

NM_005198.5(CHKB):c.683dup (p.Leu228fs)

Genes: CHKB (choline kinase beta; minus strand), CHKB-CPT1B (CHKB-CPT1B readthrough (NMD candidate); minus strand). Cytogenetic location: 22q13.33.
Variant type: Duplication.
Coding change: c.683dup on transcript NM_005198.5 (MANE Select); coding-DNA position 683, one base duplicated (T; older notation c.683dupT).
Protein change: p.Leu228fs; shifts the reading frame from leucine 228.
Molecular consequence: frameshift variant. On other transcripts: non-coding transcript variant (1).
Genome position (GRCh38, 1-based): chr22:50,580,411, A duplicated on the plus strand (T on the coding strand, the reverse complement: CHKB is on the minus strand); the first of 2 consecutive A bases (chr22:50,580,411-50,580,412); duplicating either gives the same sequence. VCF-style (leftmost placement, unchanged base first): chr22-50580410-T-TA. GRCh37 (hg19) VCF-style: chr22-51018839-T-TA.
Other names: c.683dupT (NM_005198.4); short protein forms L228fs.
Identifiers: ClinVar variation 3492304 (VCV003492304.1).

ClinVar aggregate classification (germline): Pathogenic (1 of 4 stars; one submission).

Conditions:
Inborn genetic diseases. Identifiers: MedGen C0950123, MeSH D030342.

Submission:

Ambry Genetics
Classification: Pathogenic for Inborn genetic diseases. Last evaluated: 2024-06-27. Review status: criteria provided, single submitter. Criteria: Ambry Variant Classification Scheme 2023. Collection method: clinical testing. Allele origin: germline.
Comment: The c.683dupT (p.L228Ffs*15) alteration, located in exon 6 (coding exon 6) of the CHKB gene, consists of a duplication of T at position 683, causing a translational frameshift with a predicted alternate stop codon after 15 amino acids. This alteration is expected to result in loss of function by premature protein truncation or nonsense-mediated mRNA decay. This variant was not reported in population-based cohorts in the Genome Aggregation Database (gnomAD). Based on the available evidence, this alteration is classified as pathogenic.